The following is an entry in ClinVar:

ClinVar aggregate classification (germline): Pathogenic (1 of 4 stars; one submission).

Conditions:
Galactosylceramide beta-galactosidase deficiency. Also called: GALACTOCEREBROSIDASE DEFICIENCY; GALC DEFICIENCY; GLOBOID CELL LEUKOENCEPHALOPATHY; Leukodystrophy, Globoid Cell; Krabbe Disease. Identifiers: Orphanet 487, MedGen C0023521, MONDO:0009499, OMIM 245200.

gnomAD v4.1: 1 of 1,613,908 alleles (0.000062%); no homozygotes.

Submission:

Genomic Research Center, Shahid Beheshti University of Medical Sciences
Classification: Pathogenic for Galactosylceramide beta-galactosidase deficiency. Last evaluated: 2024-07-03. Review status: criteria provided, single submitter. Criteria: ACMG Guidelines, 2015. Collection method: clinical testing. Allele origin: inherited. Inheritance: Autosomal recessive inheritance. Affected: yes. Observed: 1 homozygote.
Comment: This variant is a stop-gain mutation and was not previously reported in gnomAD, Iranome, the 1000 Genome Project, EVS, and ESP6500. This variant was segregated within the family by sanger sequencing.

NM_000153.4(GALC):c.836T>G (p.Leu279Ter)

Gene: GALC (galactosylceramidase; minus strand). Cytogenetic location: 14q31.3.
Variant type: single nucleotide variant.
Coding change: c.836T>G on transcript NM_000153.4 (MANE Select); coding-DNA position 836, T replaced by G.
Protein change: p.Leu279Ter; replaces leucine 279 with a stop codon.
Molecular consequence: nonsense. On other transcripts: non-coding transcript variant (1).
Genome position (GRCh38, 1-based): chr14:87,968,407, A>C on the plus strand (T>G on the coding strand, the complement: GALC is on the minus strand). VCF-style: chr14-87968407-A-C. GRCh37 (hg19) VCF-style: chr14-88434751-A-C.
Other names: c.488T>G, p.Leu163Ter (NM_001424075.1, NM_001424074.1); c.203T>G, p.Leu68Ter (NM_001424076.1, NM_001424077.1); c.668T>G, p.Leu223Ter (NM_001424073.1, NM_001424071.1, NM_001424072.1); c.767T>G, p.Leu256Ter (NM_001201401.2); c.758T>G, p.Leu253Ter (NM_001201402.2); short protein forms L163*, L223*, L253*, L256*, L279*, L68*.
Identifiers: ClinVar variation 3250474 (VCV003250474.1), dbSNP rs1566993302.